The following is an entry in ClinVar:

NM_000512.5(GALNS):c.725C>G (p.Ser242Cys)

Gene: GALNS (galactosamine (N-acetyl)-6-sulfatase; minus strand). Cytogenetic location: 16q24.3.
Variant type: single nucleotide variant.
Coding change: c.725C>G on transcript NM_000512.5 (MANE Select); coding-DNA position 725, C replaced by G.
Protein change: p.Ser242Cys; replaces serine 242 with cysteine.
Molecular consequence: missense variant.
Genome position (GRCh38, 1-based): chr16:88,835,758, G>C on the plus strand (C>G on the coding strand, the complement: GALNS is on the minus strand). VCF-style: chr16-88835758-G-C. GRCh37 (hg19) VCF-style: chr16-88902166-G-C.
Other names: c.170C>G, p.Ser57Cys (NM_001323543.2); c.743C>G, p.Ser248Cys (NM_001323544.2); short protein forms S242C, S248C, S57C.
Identifiers: ClinVar variation 1048208 (VCV001048208.6), dbSNP rs2143001380, ClinGen allele CA397080102.

ClinVar aggregate classification (germline): Conflicting classifications of pathogenicity. Review status: criteria provided, conflicting classifications (1 of 4 stars). 2 submissions from 2 submitters: Pathogenic (1); Uncertain significance (1). Last evaluated 2023-07-25.

Conditions:
Mucopolysaccharidosis, MPS-IV-A (MPS4A). Also called: Mucopolysaccharidosis type IV A; Mucopolysaccharidosis Type IVA; Morquio syndrome A, mild; MORQUIO SYNDROME A; MPS IVA; mucopolysaccharidosis type 4A. Identifiers: Orphanet 309297, Orphanet 582, MedGen C0086651, MONDO:0009659, OMIM 253000.

Submissions (2):

Labcorp Genetics (formerly Invitae), Labcorp
Classification: Pathogenic for Mucopolysaccharidosis, MPS-IV-A. Last evaluated: 2023-07-25. Review status: criteria provided, single submitter. Criteria: Invitae Variant Classification Sherloc (09022015). Collection method: clinical testing. Allele origin: germline.
Comment: This sequence change replaces serine, which is neutral and polar, with cysteine, which is neutral and slightly polar, at codon 242 of the GALNS protein (p.Ser242Cys). This variant is not present in population databases (gnomAD no frequency). This missense change has been observed in individual(s) with mucopolysaccharidosis IVA (PMID: 23227063, 23401410). In at least one individual the data is consistent with being in trans (on the opposite chromosome) from a pathogenic variant. ClinVar contains an entry for this variant (Variation ID: 1048208). Advanced modeling of protein sequence and biophysical properties (such as structural, functional, and spatial information, amino acid conservation, physicochemical variation, residue mobility, and thermodynamic stability) performed at Invitae indicates that this missense variant is expected to disrupt GALNS protein function. For these reasons, this variant has been classified as Pathogenic.

Laboratory of Diagnosis and Therapy of Lysosomal Disorders, University of Padova
Classification: Uncertain significance for Mucopolysaccharidosis, MPS-IV-A. Last evaluated: 2021-02-01. Review status: criteria provided, single submitter. Criteria: ACMG Guidelines, 2015. Collection method: curation. Allele origin: germline. Affected: yes.
Comment: Absent from gnomAD v2.1.1 (PM2_moderate); multiple lines of computational evidence support a deleterious effect on the gene (PP3_supporting)

Literature cited by the submitters: PubMed 23227063 (cited by Labcorp Genetics (formerly Invitae), Labcorp and Laboratory of Diagnosis and Therapy of Lysosomal Disorders, University of Padova); PubMed 23401410 (cited by Labcorp Genetics (formerly Invitae), Labcorp and Laboratory of Diagnosis and Therapy of Lysosomal Disorders, University of Padova); PubMed 34387910 (cited by Laboratory of Diagnosis and Therapy of Lysosomal Disorders, University of Padova).